The following is an entry in ClinVar:

NM_032217.5(ANKRD17):c.2954T>C (p.Val985Ala)

Gene: ANKRD17 (ankyrin repeat domain 17; minus strand). Cytogenetic location: 4q13.3.
Variant type: single nucleotide variant.
Coding change: c.2954T>C on transcript NM_032217.5 (MANE Select); coding-DNA position 2954, T replaced by C.
Protein change: p.Val985Ala; replaces valine 985 with alanine.
Molecular consequence: missense variant. On other transcripts: intron variant (1).
Genome position (GRCh38, 1-based): chr4:73,139,662, A>G on the plus strand (T>C on the coding strand, the complement: ANKRD17 is on the minus strand). VCF-style: chr4-73139662-A-G. GRCh37 (hg19) VCF-style: chr4-74005379-A-G.
Other names: c.2615T>C, p.Val872Ala (NM_001286771.3); c.2954T>C, p.Val985Ala (NM_015574.2); c.2332+2079T>C (NM_198889.3); short protein forms V872A, V985A.
Identifiers: ClinVar variation 2634162 (VCV002634162.1), dbSNP rs2530960913, ClinGen allele CA357221487.

ClinVar aggregate classification (germline): Uncertain significance (1 of 4 stars; one submission).

Conditions:
ANKRD17-related disorder. Also called: ANKRD17-related condition.

Allele frequency attached by ClinVar (database versions not stated): gnomAD exomes below 0.00001.
gnomAD v4.1: 2 of 1,614,054 alleles (0.00012%); highest among the groups gnomAD compares: Non-Finnish European, 0.00017%; no homozygotes.

Submission:

PreventionGenetics, part of Exact Sciences
Classification: Uncertain significance for ANKRD17-related condition. Last evaluated: 2022-09-27. Review status: criteria provided, single submitter. Criteria: ACMG Guidelines, 2015. Collection method: clinical testing. Allele origin: germline.
Comment: The ANKRD17 c.2954T>C variant is predicted to result in the amino acid substitution p.Val985Ala. To our knowledge, this variant has not been reported in the literature or in a large population database, indicating this variant is rare. At this time, the clinical significance of this variant is uncertain due to the absence of conclusive functional and genetic evidence.